The following is an entry in ClinVar:

NM_024675.4(PALB2):c.1966_1967insAGAGGAAGCTGTATTTTTC (p.Pro656fs)

Gene: PALB2 (partner and localizer of BRCA2; minus strand). Cytogenetic location: 16p12.2.
Variant type: Insertion.
Coding change: c.1966_1967insAGAGGAAGCTGTATTTTTC on transcript NM_024675.4 (MANE Select); coding-DNA positions 1966 to 1967, AGAGGAAGCTGTATTTTTC inserted.
Protein change: p.Pro656fs; shifts the reading frame from proline 656.
Molecular consequence: frameshift variant.
Genome position: GRCh38 VCF-style: chr16-23630187-G-GGAAAAATACAGCTTCCTCT. GRCh37 (hg19) VCF-style: chr16-23641508-G-GGAAAAATACAGCTTCCTCT.
Other names: short protein forms P656fs.
Identifiers: ClinVar variation 188185 (VCV000188185.16), dbSNP rs786204129, ClinGen allele CA334264.

ClinVar aggregate classification (germline): Pathogenic. Review status: criteria provided, multiple submitters, no conflicts (2 of 4 stars). 4 submissions from 4 submitters: Pathogenic (4). Last evaluated 2025-08-18.

Conditions:
Hereditary cancer-predisposing syndrome. Also called: Neoplastic Syndromes, Hereditary; Tumor predisposition; Hereditary Cancer Syndrome; Hereditary neoplastic syndrome. Identifiers: Orphanet 140162, MedGen C0027672, MeSH D009386, MONDO:0015356.
Familial cancer of breast. Also called: BREAST CANCER, FAMILIAL; Hereditary breast cancer; hereditary breast carcinoma. Identifiers: Orphanet 227535, MedGen C0346153, MONDO:0016419, OMIM 114480. Disease mechanism: loss of function.

Submissions (4):

Labcorp Genetics (formerly Invitae), Labcorp
Classification: Pathogenic for Familial cancer of breast. Last evaluated: 2025-08-18. Review status: criteria provided, single submitter. Criteria: Invitae Variant Classification Sherloc (09022015). Collection method: clinical testing. Allele origin: germline.
Comment: This sequence change creates a premature translational stop signal (p.Pro656Glnfs*13) in the PALB2 gene. It is expected to result in an absent or disrupted protein product. Loss-of-function variants in PALB2 are known to be pathogenic (PMID: 17200668, 17200671, 17200672, 24136930, 25099575). This variant is not present in population databases (gnomAD no frequency). This variant has not been reported in the literature in individuals affected with PALB2-related conditions. ClinVar contains an entry for this variant (Variation ID: 188185). For these reasons, this variant has been classified as Pathogenic.

Molecular Pathology, Peter Maccallum Cancer Centre
Classification: Pathogenic for Familial cancer of breast. Last evaluated: 2024-12-16. Review status: criteria provided, single submitter. Criteria: ACMG Guidelines, 2015. Collection method: clinical testing. Allele origin: germline. Inheritance: Autosomal dominant inheritance.

Ambry Genetics
Classification: Pathogenic for Hereditary cancer-predisposing syndrome. Last evaluated: 2024-09-05. Review status: criteria provided, single submitter. Criteria: Ambry Variant Classification Scheme 2023. Collection method: clinical testing. Allele origin: germline.
Comment: The c.1966_1967ins19 variant, located in coding exon 5 of the PALB2 gene, results from an insertion of 19 nucleotides at position 1966, causing a translational frameshift with a predicted alternate stop codon (p.P656Qfs*13). This alteration is expected to result in loss of function by premature protein truncation or nonsense-mediated mRNA decay. As such, this alteration is interpreted as a disease-causing mutation.

Myriad Genetics, Inc.
Classification: Pathogenic for Familial cancer of breast. Last evaluated: 2023-09-12. Review status: criteria provided, single submitter. Criteria: Myriad Autosomal Dominant, Autosomal Recessive and X-Linked Classification Criteria (2023). Collection method: clinical testing. Allele origin: unknown.
Comment: This variant is considered pathogenic. This variant creates a frameshift predicted to result in premature protein truncation.

Literature cited by the submitters: PubMed 17200668 (cited by Labcorp Genetics (formerly Invitae), Labcorp); PubMed 17200671 (cited by Labcorp Genetics (formerly Invitae), Labcorp); PubMed 17200672 (cited by Labcorp Genetics (formerly Invitae), Labcorp); PubMed 24136930 (cited by Labcorp Genetics (formerly Invitae), Labcorp); PubMed 25099575 (cited by Labcorp Genetics (formerly Invitae), Labcorp).